The following is an entry in ClinVar:

ClinVar aggregate classification (germline): Likely pathogenic (1 of 4 stars; one submission).

Submission:

CeGaT Center for Human Genetics Tuebingen
Classification: Likely pathogenic. Last evaluated: 2026-01-01. Review status: criteria provided, single submitter. Criteria: CeGaT Center For Human Genetics Tuebingen Variant Classification Criteria Version 2. Collection method: clinical testing. Allele origin: germline. Affected: yes. Observed: 1 variant allele.
Comment: RP1: PVS1:Strong, PM2

NM_006269.2(RP1):c.2276del (p.Arg759fs)

Gene: RP1 (RP1 axonemal microtubule associated; plus strand). Cytogenetic location: 8q12.1.
Variant type: Deletion.
Coding change: c.2276del on transcript NM_006269.2 (MANE Select); coding-DNA position 2276, one base deleted (G; older notation c.2276delG).
Protein change: p.Arg759fs; shifts the reading frame from arginine 759.
Molecular consequence: frameshift variant. On other transcripts: intron variant (1).
Genome position (GRCh38, 1-based): chr8:54,626,158, G deleted. VCF-style (leftmost placement, unchanged base first): chr8-54626157-AG-A. GRCh37 (hg19) VCF-style: chr8-55538717-AG-A.
Other names: c.787+3870del (NM_001375654.1); short protein forms R759fs.
Identifiers: ClinVar variation 4823306 (VCV004823306.4).